The following is an entry in ClinVar:

ClinVar aggregate classification (germline): Uncertain significance (1 of 4 stars; one submission).

gnomAD v4.1: 1 of 1,614,224 alleles (0.000062%); highest among the groups gnomAD compares: African/African-American, 0.0013%; no homozygotes.

Submission:

GeneDx
Classification: Uncertain significance. Last evaluated: 2024-04-24. Review status: criteria provided, single submitter. Criteria: GeneDx Variant Classification Process June 2021. Collection method: clinical testing. Allele origin: germline. Affected: yes.
Comment: Not observed at significant frequency in large population cohorts (gnomAD); In silico analysis supports that this missense variant has a deleterious effect on protein structure/function; Has not been previously published as pathogenic or benign to our knowledge

NM_005982.4(SIX1):c.298G>T (p.Gly100Cys)

Gene: SIX1 (SIX homeobox 1; minus strand). Cytogenetic location: 14q23.1.
Variant type: single nucleotide variant.
Coding change: c.298G>T on transcript NM_005982.4 (MANE Select); coding-DNA position 298, G replaced by T.
Protein change: p.Gly100Cys; replaces glycine 100 with cysteine.
Molecular consequence: missense variant.
Genome position (GRCh38, 1-based): chr14:60,648,892, C>A on the plus strand (G>T on the coding strand, the complement: SIX1 is on the minus strand). VCF-style: chr14-60648892-C-A. GRCh37 (hg19) VCF-style: chr14-61115610-C-A.
Other names: c.298G>T, p.Gly100Cys (NM_001425142.1); short protein forms G100C.
Identifiers: ClinVar variation 3373043 (VCV003373043.1).
Genomic context (GRCh38, chr14:60,648,892, plus strand): 5'-TGCGCGGCAGTGGAAATTTTCGGCGCACCCGATATTTGCCCACGGCGCCCAGGGGTCGGC[C>A]GCGCAGCTTCTCGGCCTCCACGTAATGCGCCTTCAGCCACAGTTGCTGCAGTTTGGGGTG-3'
Protein context (NP_005973.1, residues 90-110): AHYVEAEKLR[Gly100Cys]RPLGAVGKYR